The following is an entry in ClinVar:

NM_000352.6(ABCC8):c.2971C>T (p.Gln991Ter)

Gene: ABCC8 (ATP binding cassette subfamily C member 8; minus strand). Cytogenetic location: 11p15.1.
Variant type: single nucleotide variant.
Coding change: c.2971C>T on transcript NM_000352.6 (MANE Select); coding-DNA position 2971, C replaced by T.
Protein change: p.Gln991Ter; replaces glutamine 991 with a stop codon.
Molecular consequence: nonsense. On other transcripts: non-coding transcript variant (1).
Genome position (GRCh38, 1-based): chr11:17,407,079, G>A on the plus strand (C>T on the coding strand, the complement: ABCC8 is on the minus strand). VCF-style: chr11-17407079-G-A. GRCh37 (hg19) VCF-style: chr11-17428626-G-A.
Other names: c.2974C>T, p.Gln992Ter (NM_001287174.3); c.3037C>T, p.Gln1013Ter (NM_001351295.2); c.2971C>T, p.Gln991Ter (NM_001351296.2); c.2968C>T, p.Gln990Ter (NM_001351297.2); short protein forms Q990*, Q991*, Q1013*, Q992*.
Identifiers: ClinVar variation 937351 (VCV000937351.8), dbSNP rs1954577994, ClinGen allele CA379804123.
Genomic context (GRCh38, chr11:17,407,079, plus strand): 5'-GCAGGATGCCGGCGGAGGACAGGTACTTGGCGCAGGCTCGCCATGGGATCTCAGCACGCT[G>A]GTGCAGCATGGACGACAGGTTGTCATCCTCCTCGCTCTCAGCTGCCTCCTCTGCAGGCCG-3'

ClinVar aggregate classification (germline): Conflicting classifications of pathogenicity. Review status: criteria provided, conflicting classifications (1 of 4 stars). 3 submissions from 2 submitters: Pathogenic (1); Uncertain significance (2). Last evaluated 2019-05-29.

Conditions:
Maturity-onset diabetes of the young (MODY). Also called: Maturity onset diabetes mellitus in young. Identifiers: Orphanet 552, MedGen C0342276, MONDO:0018911, HP:0004904.
Transitory neonatal diabetes mellitus. Also called: Transient neonatal diabetes mellitus. Identifiers: MedGen C0342273, MONDO:0020525, HP:0008255.

Submissions (3):

Labcorp Genetics (formerly Invitae), Labcorp
Classification: Pathogenic. Last evaluated: 2019-05-29. Review status: criteria provided, single submitter. Criteria: Invitae Variant Classification Sherloc (09022015). Collection method: clinical testing. Allele origin: germline.
Comment: For these reasons, this variant has been classified as Pathogenic. Loss-of-function variants in ABCC8 are known to be pathogenic (PMID: 20685672, 23345197). This variant has not been reported in the literature in individuals with ABCC8-related conditions. This variant is not present in population databases (ExAC no frequency). This sequence change creates a premature translational stop signal (p.Gln991*) in the ABCC8 gene. It is expected to result in an absent or disrupted protein product.

Clinical Genomics, Uppaluri K&H Personalized Medicine Clinic
Classification: Uncertain significance for Maturity-onset diabetes of the young. Review status: criteria provided, single submitter. Criteria: K & H Uppaluri Personalized Medicine Clinic Variant Classification & Assertion Criteria_Updated V.1. Collection method: research. Allele origin: unknown. Inheritance: Somatic mutation.
Comment: Mutations in ABCC8 gene are associated with both neonatal diabetes mellitus as well as MODY. Patients with this mutation may have a better response to sulfonylureas. However, no sufficient evidence is found to ascertain the role of this particular variant (rs1954577994) in MODY yet.

Clinical Genomics, Uppaluri K&H Personalized Medicine Clinic
Classification: Uncertain significance for Transitory neonatal diabetes mellitus. Review status: criteria provided, single submitter. Criteria: K & H Uppaluri Personalized Medicine Clinic Variant Classification & Assertion Criteria_Updated V.1. Collection method: research. Allele origin: unknown. Inheritance: Somatic mutation.
Comment: Mutations in ABCC8 gene are associated with both neonatal diabetes mellitus as well as MODY. Patients with this mutation may have a better response to sulfonylureas. However, no sufficient evidence is found to ascertain the role of this particular variant (rs1954577994) in neonatal diabetes yet.

Literature cited by the submitters: PubMed 20685672 (cited by Labcorp Genetics (formerly Invitae), Labcorp); PubMed 23345197 (cited by Labcorp Genetics (formerly Invitae), Labcorp); PubMed 16885549 (cited by Clinical Genomics, Uppaluri K&H Personalized Medicine Clinic); PubMed 21989597 (cited by Clinical Genomics, Uppaluri K&H Personalized Medicine Clinic); PubMed 27538677 (cited by Clinical Genomics, Uppaluri K&H Personalized Medicine Clinic); PubMed 18981553 (cited by Clinical Genomics, Uppaluri K&H Personalized Medicine Clinic); PubMed 32027066 (cited by Clinical Genomics, Uppaluri K&H Personalized Medicine Clinic); PubMed 16613899 (cited by Clinical Genomics, Uppaluri K&H Personalized Medicine Clinic); PubMed 18025408 (cited by Clinical Genomics, Uppaluri K&H Personalized Medicine Clinic); PubMed 32792356 (cited by Clinical Genomics, Uppaluri K&H Personalized Medicine Clinic).